The following is an entry in ClinVar:

ClinVar aggregate classification (germline): Uncertain significance (1 of 4 stars; one submission).

Submission:

GeneDx
Classification: Uncertain significance. Last evaluated: 2024-03-22. Review status: criteria provided, single submitter. Criteria: GeneDx Variant Classification Process June 2021. Collection method: clinical testing. Allele origin: germline. Affected: yes.
Comment: Not observed at significant frequency in large population cohorts (gnomAD); In silico analysis supports that this missense variant does not alter protein structure/function; Has not been previously published as pathogenic or benign to our knowledge

NM_001282531.3(ADNP):c.1786A>C (p.Lys596Gln)

Gene: ADNP (activity dependent neuroprotector homeobox; minus strand). Cytogenetic location: 20q13.13.
Variant type: single nucleotide variant.
Coding change: c.1786A>C on transcript NM_001282531.3 (MANE Select); coding-DNA position 1786, A replaced by C.
Protein change: p.Lys596Gln; replaces lysine 596 with glutamine.
Molecular consequence: missense variant.
Genome position (GRCh38, 1-based): chr20:50,892,928, T>G on the plus strand (A>C on the coding strand, the complement: ADNP is on the minus strand). VCF-style: chr20-50892928-T-G. GRCh37 (hg19) VCF-style: chr20-49509465-T-G.
Other names: c.1786A>C, p.Lys596Gln (NM_001282532.2, NM_001347511.2, NM_015339.5 and 1 more transcripts); short protein forms K596Q.
Identifiers: ClinVar variation 3371388 (VCV003371388.1).